The following is an entry in ClinVar:

ClinVar aggregate classification (germline): Conflicting classifications of pathogenicity. Review status: criteria provided, conflicting classifications (1 of 4 stars). 2 submissions from 1 submitter: Uncertain significance (1); Likely benign (1). Last evaluated 2018-01-13.

Conditions:
Congenital myopathy 4B, autosomal recessive. Also called: Nemaline myopathy 1, autosomal dominant or recessive. Identifiers: Orphanet 171433, Orphanet 171439, Orphanet 171881, MedGen C5829889, MONDO:0012239, OMIM 609284.
Congenital myopathy with fiber type disproportion. Also called: Congenital fiber-type disproportion myopathy; Congenital fiber-type disproportion. Identifiers: Orphanet 2020, MedGen C0546264, MONDO:0009711. Inheritance: all.

Allele frequency attached by ClinVar (database versions not stated): 1000 Genomes Project 0.00220; 1000 Genomes Project 30x 0.00265; gnomAD 0.00037.
gnomAD v4.1: 40 of 109,636 alleles (0.036%); highest among the groups gnomAD compares: South Asian, 1.2%; no homozygotes.

Submissions (2):

Illumina Laboratory Services, Illumina
Classification: Likely benign for Congenital myopathy 4A, autosomal dominant. Last evaluated: 2018-01-13. Review status: criteria provided, single submitter. Criteria: ICSL Variant Classification Criteria 13 December 2019. Collection method: clinical testing. Allele origin: germline.
Comment: This variant was observed in the ICSL laboratory as part of a predisposition screen in an ostensibly healthy population. It had not been previously curated by ICSL or reported in the Human Gene Mutation Database (HGMD: prior to June 1st, 2018), and was therefore a candidate for classification through an automated scoring system. Utilizing variant allele frequency, disease prevalence and penetrance estimates, and inheritance mode, an automated score was calculated to assess if this variant is too frequent to cause the disease. Based on the score and internal cut-off values, a variant classified as likely benign is not then subjected to further curation. The score for this variant resulted in a classification of likely benign for this disease.

Illumina Laboratory Services, Illumina
Classification: Uncertain significance for Congenital myopathy 4B, autosomal recessive. Last evaluated: 2018-01-13. Review status: criteria provided, single submitter. Criteria: ICSL Variant Classification Criteria 13 December 2019. Collection method: clinical testing. Allele origin: germline.

NM_152263.4(TPM3):c.*5594G>T

Gene: TPM3 (tropomyosin 3; minus strand). Cytogenetic location: 1q21.3.
Variant type: single nucleotide variant.
Coding change: c.*5594G>T on transcript NM_152263.4 (MANE Select); 5594 bases downstream of the stop codon, G replaced by T.
Molecular consequence: 3 prime UTR variant. On other transcripts: intron variant (12).
Genome position (GRCh38, 1-based): chr1:154,162,343, C>A on the plus strand (G>T on the coding strand, the complement: TPM3 is on the minus strand). VCF-style: chr1-154162343-C-A. GRCh37 (hg19) VCF-style: chr1-154134819-C-A.
Other names: c.*5594G>T (NM_001364682.1, NM_001364683.1); c.776-4622G>T (NM_001364679.2, NM_001364680.2); c.776-3295G>T (NM_001364681.2); c.467-4622G>T (NM_001278188.2); c.665-4622G>T (NM_001043351.2, NM_153649.4); c.665-3295G>T (NM_001043353.2, NM_001043352.2); c.744-4622G>T (NM_001349679.2, NM_001278189.2); c.602-4622G>T (NM_001278190.2); and 1 more.
Identifiers: ClinVar variation 292628 (VCV000292628.5), dbSNP rs550606876, ClinGen allele CA10607842.
Genomic context (GRCh38, chr1:154,162,343, plus strand): 5'-TAAACCCAGGAGGCGGAGCTTGCAGTGAGCCAAGATCACACCACCGCACTCCAGCCTGGG[C>A]AACAGAGCAAGACTCCGTCTCAAAAAAAAAAAAAAAAAAAAACACAAACCAACCCCATGG-3'